The following is an entry in ClinVar:

ClinVar aggregate classification (germline): Benign/Likely benign. Review status: criteria provided, multiple submitters, no conflicts (2 of 4 stars). 3 submissions from 3 submitters: Benign (1); Likely benign (2). Last evaluated 2026-08-03.

Conditions:
Familial colorectal cancer type X. Identifiers: Orphanet 440437, MedGen C3896578, MONDO:0018604.

Allele frequency attached by ClinVar (database versions not stated): gnomAD 0.00002 and 0.00003; gnomAD exomes 0.00002; TOPMed 0.00002; ExAC 0.00002; 1000 Genomes Project 30x 0.00031.
gnomAD v4.1: 26 of 1,612,300 alleles (0.0016%); highest among the groups gnomAD compares: Admixed American, 0.0067%; no homozygotes.

Submissions (3):

Myriad Genetics, Inc.
Classification: Benign for Familial colorectal cancer type X. Last evaluated: 2026-08-03. Review status: criteria provided, single submitter. Criteria: Myriad Autosomal Dominant, Autosomal Recessive and X-Linked Classification Criteria (2023). Collection method: clinical testing. Allele origin: unknown.
Comment: This variant is considered benign. This variant is a silent/synonymous amino acid change and it is not expected to impact splicing.

Labcorp Genetics (formerly Invitae), Labcorp
Classification: Likely benign. Last evaluated: 2026-01-08. Review status: criteria provided, single submitter. Criteria: Invitae Variant Classification Sherloc (09022015). Collection method: clinical testing. Allele origin: germline.

Ambry Genetics
Classification: Likely benign. Last evaluated: 2022-08-16. Review status: criteria provided, single submitter. Criteria: Ambry Variant Classification Scheme 2023. Collection method: clinical testing. Allele origin: germline.

NM_001023.4(RPS20):c.18C>T (p.Thr6=)

Gene: RPS20 (ribosomal protein S20; minus strand). Cytogenetic location: 8q12.1.
Variant type: single nucleotide variant.
Coding change: c.18C>T on transcript NM_001023.4 (MANE Select); coding-DNA position 18, C replaced by T.
Protein change: p.Thr6=; no amino-acid change (threonine 6 retained).
Molecular consequence: synonymous variant.
Genome position (GRCh38, 1-based): chr8:56,074,145, G>A on the plus strand (C>T on the coding strand, the complement: RPS20 is on the minus strand). VCF-style: chr8-56074145-G-A. GRCh37 (hg19) VCF-style: chr8-56986704-G-A.
Other names: c.18C>T, p.Thr6= (NM_001146227.3).
Identifiers: ClinVar variation 1563333 (VCV001563333.11), dbSNP rs11537561, ClinGen allele CA4754471.